The following is an entry in ClinVar:

ClinVar aggregate classification (germline): Uncertain significance. Review status: criteria provided, multiple submitters, no conflicts (2 of 4 stars). 4 submissions from 4 submitters: Uncertain significance (4). Last evaluated 2025-01-16.

Conditions:
Neuropathy, hereditary sensory and autonomic, type 2B (HSAN2B). Also called: RETREG1-Related HSAN2 (HSAN2B). Identifiers: Orphanet 970, MedGen C2751092, MONDO:0013142, OMIM 613115.
Inborn genetic diseases. Identifiers: MedGen C0950123, MeSH D030342.

Allele frequency attached by ClinVar (database versions not stated): 1000 Genomes Project 30x 0.00016; TOPMed 0.00024.
gnomAD v4.1: 208 of 1,444,726 alleles (0.014%); highest among the groups gnomAD compares: African/African-American, 0.037%; no homozygotes.

Submissions (4):

GeneDx
Classification: Uncertain significance. Last evaluated: 2025-01-16. Review status: criteria provided, single submitter. Criteria: GeneDx Variant Classification Process June 2021. Collection method: clinical testing. Allele origin: germline. Affected: yes.
Comment: In silico analysis indicates that this missense variant does not alter protein structure/function; Has not been previously published as pathogenic or benign to our knowledge

Ambry Genetics
Classification: Uncertain significance for Inborn genetic diseases. Last evaluated: 2025-01-03. Review status: criteria provided, single submitter. Criteria: Ambry Variant Classification Scheme 2023. Collection method: clinical testing. Allele origin: germline.

Labcorp Genetics (formerly Invitae), Labcorp
Classification: Uncertain significance. Last evaluated: 2022-05-19. Review status: criteria provided, single submitter. Criteria: Invitae Variant Classification Sherloc (09022015). Collection method: clinical testing. Allele origin: germline.
Comment: This sequence change replaces glutamic acid, which is acidic and polar, with lysine, which is basic and polar, at codon 8 of the RETREG1 protein (p.Glu8Lys). This variant is present in population databases (rs759050645, gnomAD 0.1%). This variant has not been reported in the literature in individuals affected with RETREG1-related conditions. ClinVar contains an entry for this variant (Variation ID: 352697). Algorithms developed to predict the effect of missense changes on protein structure and function are either unavailable or do not agree on the potential impact of this missense change (SIFT: "Tolerated"; PolyPhen-2: "Not Available"; Align-GVGD: "Class C0"). In summary, the available evidence is currently insufficient to determine the role of this variant in disease. Therefore, it has been classified as a Variant of Uncertain Significance.

Illumina Laboratory Services, Illumina
Classification: Uncertain significance for Neuropathy, hereditary sensory and autonomic, type 2B. Last evaluated: 2018-01-13. Review status: criteria provided, single submitter. Criteria: ICSL Variant Classification Criteria 13 December 2019. Collection method: clinical testing. Allele origin: germline.

NM_001034850.3(RETREG1):c.22G>A (p.Glu8Lys)

Genes: RETREG1-AS1 (RETREG1 antisense RNA 1; plus strand), RETREG1 (reticulophagy regulator 1; minus strand), LOC129993734 (ATAC-STARR-seq lymphoblastoid silent region 15947; plus strand). Cytogenetic location: 5p15.1.
Variant type: single nucleotide variant.
Coding change: c.22G>A on transcript NM_001034850.3 (MANE Select); coding-DNA position 22, G replaced by A.
Protein change: p.Glu8Lys; replaces glutamic acid 8 with lysine.
Molecular consequence: missense variant.
Genome position (GRCh38, 1-based): chr5:16,616,950, C>T on the plus strand (G>A on the coding strand, the complement: RETREG1 is on the minus strand). VCF-style: chr5-16616950-C-T. GRCh37 (hg19) VCF-style: chr5-16617059-C-T.
Other names: short protein forms E8K.
Identifiers: ClinVar variation 352697 (VCV000352697.15), dbSNP rs759050645, ClinGen allele CA3210548.